The following is an entry in ClinVar:

NM_000376.3(VDR):c.199C>T (p.Arg67Cys)

Gene: VDR (vitamin D receptor; minus strand). Cytogenetic location: 12q13.11.
Variant type: single nucleotide variant.
Coding change: c.199C>T on transcript NM_000376.3 (MANE Select); coding-DNA position 199, C replaced by T.
Protein change: p.Arg67Cys; replaces arginine 67 with cysteine.
Molecular consequence: missense variant.
Genome position (GRCh38, 1-based): chr12:47,865,125, G>A on the plus strand (C>T on the coding strand, the complement: VDR is on the minus strand). VCF-style: chr12-47865125-G-A. GRCh37 (hg19) VCF-style: chr12-48258908-G-A.
Other names: c.199C>T, p.Arg67Cys (NM_001017535.2, NM_001364085.2, NM_001374661.1 and 1 more transcripts); c.349C>T, p.Arg117Cys (NM_001017536.2); short protein forms R67C, R117C.
Identifiers: ClinVar variation 1425408 (VCV001425408.7), dbSNP rs369248365, ClinGen allele CA6534002.

ClinVar aggregate classification (germline): Uncertain significance. Review status: criteria provided, multiple submitters, no conflicts (2 of 4 stars). 4 submissions from 4 submitters: Uncertain significance (4). Last evaluated 2025-04-02.

Conditions:
VDR-related disorder. Also called: VDR-related condition.
Vitamin D-dependent rickets type II with alopecia (VDDR2A). Also called: GENERALIZED RESISTANCE TO 1,25-DIHYDROXYVITAMIN D; HYPOCALCEMIC VITAMIN D-RESISTANT RICKETS; PSEUDOVITAMIN D-DEFICIENCY, TYPE IIA; RICKETS, HEREDITARY VITAMIN D-RESISTANT; RICKETS-ALOPECIA SYNDROME; VITAMIN D-DEPENDENT RICKETS, TYPE 2A, WITH OR WITHOUT ALOPECIA. Identifiers: Orphanet 93160, MedGen C0342646, MONDO:0010186, OMIM 277440.
Inborn genetic diseases. Identifiers: MedGen C0950123, MeSH D030342.

Allele frequency attached by ClinVar (database versions not stated): ExAC 0.00005; gnomAD exomes 0.00005; TOPMed 0.00006; ESP Exome Variant Server 0.00008.
gnomAD v4.1: 154 of 1,613,734 alleles (0.0095%); highest among the groups gnomAD compares: Non-Finnish European, 0.012%; no homozygotes.

Submissions (4):

PreventionGenetics, part of Exact Sciences
Classification: Uncertain significance for VDR-related condition. Last evaluated: 2025-04-02. Review status: criteria provided, single submitter. Criteria: ACMG Guidelines, 2015. Collection method: clinical testing. Allele origin: germline.
Comment: The VDR c.199C>T variant is predicted to result in the amino acid substitution p.Arg67Cys. To our knowledge, this variant has not been reported in the literature. This variant is reported in 0.0085% of alleles in individuals of European (Non-Finnish) descent in gnomAD. At this time, the clinical significance of this variant is uncertain due to the absence of conclusive functional and genetic evidence.

Fulgent Genetics
Classification: Uncertain significance for Vitamin D-dependent rickets type II with alopecia. Last evaluated: 2024-05-24. Review status: criteria provided, single submitter. Criteria: ACMG Guidelines, 2015. Collection method: clinical testing. Allele origin: germline.

Ambry Genetics
Classification: Uncertain significance for Inborn genetic diseases. Last evaluated: 2023-01-23. Review status: criteria provided, single submitter. Criteria: Ambry Variant Classification Scheme 2023. Collection method: clinical testing. Allele origin: germline.

Labcorp Genetics (formerly Invitae), Labcorp
Classification: Uncertain significance. Last evaluated: 2021-11-09. Review status: criteria provided, single submitter. Criteria: Invitae Variant Classification Sherloc (09022015). Collection method: clinical testing. Allele origin: germline.
Comment: This sequence change replaces arginine, which is basic and polar, with cysteine, which is neutral and slightly polar, at codon 67 of the VDR protein (p.Arg67Cys). This variant is present in population databases (rs369248365, gnomAD 0.009%). This variant has not been reported in the literature in individuals affected with VDR-related conditions. Algorithms developed to predict the effect of missense changes on protein structure and function are either unavailable or do not agree on the potential impact of this missense change (SIFT: "Deleterious"; PolyPhen-2: "Possibly Damaging"; Align-GVGD: "Class C0"). In summary, the available evidence is currently insufficient to determine the role of this variant in disease. Therefore, it has been classified as a Variant of Uncertain Significance.